The following is an entry in ClinVar:

NM_020822.3(KCNT1):c.2409C>T (p.Ile803=)

Gene: KCNT1 (potassium sodium-activated channel subfamily T member 1; plus strand). Cytogenetic location: 9q34.3.
Variant type: single nucleotide variant.
Coding change: c.2409C>T on transcript NM_020822.3 (MANE Select); coding-DNA position 2409, C replaced by T.
Protein change: p.Ile803=; no amino-acid change (isoleucine 803 retained).
Molecular consequence: synonymous variant.
Genome position (GRCh38, 1-based): chr9:135,777,397, C>T. VCF-style: chr9-135777397-C-T. GRCh37 (hg19) VCF-style: chr9-138669243-C-T.
Other names: c.2274C>T, p.Ile758= (NM_001272003.2).
Identifiers: ClinVar variation 701455 (VCV000701455.22), dbSNP rs557969167, ClinGen allele CA201480161.

ClinVar aggregate classification (germline): Likely benign. Review status: criteria provided, multiple submitters, no conflicts (2 of 4 stars). 2 submissions from 2 submitters: Likely benign (2). Last evaluated 2025-11-05.

Conditions:
Developmental and epileptic encephalopathy, 14 (DEE14). Also called: Early infantile epileptic encephalopathy 14. Identifiers: Orphanet 293181, MedGen C3554195, MONDO:0013989, OMIM 614959.
Autosomal dominant nocturnal frontal lobe epilepsy 5. Also called: CILIARY DYSKINESIA, PRIMARY, 28, WITHOUT SITUS INVERSUS; CILIARY DYSKINESIA, PRIMARY, 28, WITH SITUS INVERSUS; Epilepsy, nocturnal frontal lobe, 5; KCNT1-Related Epilepsy. Identifiers: Orphanet 98784, MedGen C3554306, MONDO:0014002, OMIM 615005.

Allele frequency attached by ClinVar (database versions not stated): gnomAD 0.00001 and 0.00002; gnomAD exomes 0.00001; TOPMed 0.00001; 1000 Genomes Project 0.00020; 1000 Genomes Project 30x 0.00031.
gnomAD v4.1: 14 of 1,614,106 alleles (0.00087%); highest among the groups gnomAD compares: Admixed American, 0.0017%; no homozygotes.

Submissions (2):

Labcorp Genetics (formerly Invitae), Labcorp
Classification: Likely benign for Autosomal dominant nocturnal frontal lobe epilepsy 5; Developmental and epileptic encephalopathy, 14. Last evaluated: 2025-11-05. Review status: criteria provided, single submitter. Criteria: Invitae Variant Classification Sherloc (09022015). Collection method: clinical testing. Allele origin: germline.

CeGaT Center for Human Genetics Tuebingen
Classification: Likely benign. Last evaluated: 2024-10-01. Review status: criteria provided, single submitter. Criteria: CeGaT Center For Human Genetics Tuebingen Variant Classification Criteria Version 2. Collection method: clinical testing. Allele origin: germline. Affected: yes. Observed: 1 variant allele.
Comment: KCNT1: BP4, BP7